The following is an entry in ClinVar:

ClinVar aggregate classification (germline): Pathogenic/Likely pathogenic. Review status: criteria provided, multiple submitters, no conflicts (2 of 4 stars). 7 submissions from 7 submitters: Pathogenic (5); Likely pathogenic (1). 1 of the submissions does not count toward it. Last evaluated 2025-01-17.

Conditions:
Hereditary insensitivity to pain with anhidrosis (CIPA). Also called: NTRK1 Congenital Insensitivity to Pain with Anhidrosis; NEUROPATHY, CONGENITAL SENSORY, WITH ANHIDROSIS; HSAN Type IV; INSENSITIVITY TO PAIN, CONGENITAL, WITH ANHIDROSIS; hereditary sensory and autonomic neuropathy type 4; FAMILIAL DYSAUTONOMIA, TYPE II. Identifiers: Orphanet 642, MedGen C0020074, MONDO:0009746, OMIM 256800.

Allele frequency attached by ClinVar (database versions not stated): gnomAD exomes below 0.00001 and 0.00002; TOPMed 0.00001; ExAC 0.00002.

Submissions (7):

Natera, Inc.
Classification: Pathogenic for Hereditary insensitivity to pain with anhidrosis. Last evaluated: 2025-01-17. Review status: criteria provided, single submitter. Criteria: Natera Variant Classification Schema (03/2026). Collection method: clinical testing. Allele origin: germline.
Comment: The c.287+2dupT variant in NTRK1 is a canonical splice donor site variant predicted to affect pre-mRNA splicing, which may result in an abnormal transcript and altered protein product. This variant is rare in the general population with a frequency below the threshold expected for the associated phenotype(s). This variant has been observed in one or more individuals affected with the associated recessive disease, as either homozygous or compound heterozygous with a second variant (PMID: 30774415). Computational prediction algorithms indicate this variant is likely to affect gene or protein function. Given the available evidence, this variant is classified as Pathogenic.

Division of Genetic & Genomic Pathology, Hong Kong Children's Hospital
Classification: Likely pathogenic for Hereditary insensitivity to pain with anhidrosis. Last evaluated: 2024-11-01. Review status: criteria provided, single submitter. Criteria: ACMG Guidelines, 2015. Collection method: clinical testing. Allele origin: germline. Affected: yes.
Comment: NTRK1 c.287+2dup is an intronic variant affecting the canonical donor splice site of intron 2 of NTRK1 gene. This variant is reported at low frequency in the Genome Aggregation Database population controls (gnomAD v4.1.0: total 7 in 1,613,484 alleles; 5 in 44,872 alleles in East Asian). In silico algorithms predict that the splice site is affected (SpliceAI delta score of 0.67), and may result in exon skipping. It has been deposited in ClinVar as a pathogenic variant for hereditary insensitivity to pain with anhidrosis (ClinVar Accession: VCV000859211.10) by 5 submitters at the time of reporting. It has been reported previously in the homozygous or compound heterozygous state with a pathogenic or likely pathogenic variant (PMID 19618435, 30201336, 30774415, and 35277138). For these reasons, this variant is classified as likely pathogenic. This variant is in trans with another likley pathogenic variant.

Labcorp Genetics (formerly Invitae), Labcorp
Classification: Pathogenic for Hereditary insensitivity to pain with anhidrosis. Last evaluated: 2024-05-20. Review status: criteria provided, single submitter. Criteria: Invitae Variant Classification Sherloc (09022015). Collection method: clinical testing. Allele origin: germline.
Comment: This sequence change falls in intron 2 of the NTRK1 gene. It does not directly change the encoded amino acid sequence of the NTRK1 protein. It affects a nucleotide within the consensus splice site. This variant is present in population databases (rs768373757, gnomAD 0.03%). This variant has been observed in individual(s) with congenital insensitivity to pain with anhidrosis (PMID: 19618435, 30774415). In at least one individual the data is consistent with being in trans (on the opposite chromosome) from a pathogenic variant. ClinVar contains an entry for this variant (Variation ID: 859211). Variants that disrupt the consensus splice site are a relatively common cause of aberrant splicing (PMID: 17576681, 9536098). Algorithms developed to predict the effect of sequence changes on RNA splicing suggest that this variant may disrupt the consensus splice site. For these reasons, this variant has been classified as Pathogenic.

Genome-Nilou Lab
Classification: Pathogenic for Hereditary insensitivity to pain with anhidrosis. Last evaluated: 2023-04-11. Review status: criteria provided, single submitter. Criteria: ACMG Guidelines, 2015. Collection method: clinical testing. Allele origin: germline. Affected: no.

Women's Health and Genetics/Laboratory Corporation of America, LabCorp
Classification: Pathogenic for Hereditary insensitivity to pain with anhidrosis. Last evaluated: 2023-04-11. Review status: criteria provided, single submitter. Criteria: LabCorp Variant Classification Summary - May 2015. Collection method: clinical testing. Allele origin: germline.
Comment: Variant summary: NTRK1 c.287+2dupT alters a nucleotide located close to a canonical splice site and therefore could affect mRNA splicing, leading to a significantly altered protein sequence. Several computational tools predict a significant impact on normal splicing: Two predict the variant abolishes a 5 splicing donor site. However, these predictions have yet to be confirmed by functional studies. The variant allele was found at a frequency of 2e-05 in 251464 control chromosomes (gnomAD and publication data). c.287+2dupT has been reported in the literature in multiple compound heterozygous and homozygous individuals affected with Hereditary Insensitivity To Pain With Anhidrosis (Lee_2009, Shaikh_2016, Geng_2018). These data indicate that the variant is very likely to be associated with disease. To our knowledge, no experimental evidence demonstrating an impact on protein function has been reported. Two ClinVar submitters (evaluation after 2014) cite this variant as pathogenic. Based on the evidence outlined above, the variant was classified as pathogenic.

Juno Genomics, Hangzhou Juno Genomics, Inc
Classification: Pathogenic for Hereditary insensitivity to pain with anhidrosis. Review status: criteria provided, single submitter. Criteria: ACMG Guidelines, 2015. Collection method: clinical testing. Allele origin: germline.
Comment: Absent from controls (or at extremely low frequency if recessive) in Genome Aggregation Database.;For recessive disorders, detected in trans with a pathogenic variant.;Patient's phenotype or family history is highly specific for a disease with a single genetic etiology.

GeneReviews
No classification provided. Condition: Hereditary insensitivity to pain with anhidrosis. Review status: no classification provided. Collection method: literature only. Allele origin: germline. Not counted in ClinVar's aggregate classification.
Comment: Observed in multiple Korean and Chinese families

Literature cited by the submitters: PubMed 30774415 (cited by 3 submitters); PubMed 19618435 (cited by 4 submitters); PubMed 30201336 (cited by Division of Genetic & Genomic Pathology, Hong Kong Children's Hospital); PubMed 35277138 (cited by Division of Genetic & Genomic Pathology, Hong Kong Children's Hospital); PubMed 17576681 (cited by Labcorp Genetics (formerly Invitae), Labcorp); PubMed 9536098 (cited by Labcorp Genetics (formerly Invitae), Labcorp); PubMed 29770739 (cited by Women's Health and Genetics/Laboratory Corporation of America, LabCorp and GeneReviews); PubMed 27676246 (cited by Women's Health and Genetics/Laboratory Corporation of America, LabCorp); NCBI Bookshelf NBK1769 (cited by GeneReviews).

NM_002529.4(NTRK1):c.287+2dup

Gene: NTRK1 (neurotrophic receptor tyrosine kinase 1; plus strand). Cytogenetic location: 1q23.1.
Variant type: Duplication.
Coding change: c.287+2dup on transcript NM_002529.4 (MANE Select); the canonical splice donor site of the intron after coding-DNA position 287, one base duplicated (T; older notation c.287+2dupT).
Molecular consequence: splice donor variant.
Genome position (GRCh38, 1-based): chr1:156,864,430, T duplicated. VCF-style (leftmost placement, unchanged base first): chr1-156864429-G-GT. GRCh37 (hg19) VCF-style: chr1-156834221-G-GT.
Other names: c.287+2dupT (NM_001012331.1); c.197+2dup (NM_001007792.1); c.287+2dup (NM_001012331.2).
Identifiers: ClinVar variation 859211 (VCV000859211.17), dbSNP rs768373757, ClinGen allele CA1168875.